The following is an entry in ClinVar:

NM_001103.4(ACTN2):c.1329G>C (p.Lys443Asn)

Gene: ACTN2 (actinin alpha 2; plus strand). Cytogenetic location: 1q43.
Variant type: single nucleotide variant.
Coding change: c.1329G>C on transcript NM_001103.4 (MANE Select); coding-DNA position 1329, G replaced by C.
Protein change: p.Lys443Asn; replaces lysine 443 with asparagine.
Molecular consequence: missense variant. On other transcripts: non-coding transcript variant (1).
Genome position (GRCh38, 1-based): chr1:236,744,699, G>C. VCF-style: chr1-236744699-G-C. GRCh37 (hg19) VCF-style: chr1-236907999-G-C.
Other names: c.1329G>C, p.Lys443Asn (NM_001278343.2); short protein forms K443N.
Identifiers: ClinVar variation 3748538 (VCV003748538.2).

ClinVar aggregate classification (germline): Uncertain significance (1 of 4 stars; one submission).

Conditions:
Primary familial hypertrophic cardiomyopathy (HCM). Identifiers: Orphanet 99739, MedGen C0949658, MeSH D024741, MONDO:0024573. Inheritance: Various modes of inheritance.
Dilated cardiomyopathy 1AA (CMD1AA). Also called: Cardiomyopathy, dilated, 1AA, with or without LVNC; CARDIOMYOPATHY, DILATED, 1AA, WITH OR WITHOUT LEFT VENTRICULAR NONCOMPACTION; CARDIOMYOPATHY, FAMILIAL HYPERTROPHIC, 23, WITH OR WITHOUT LEFT VENTRICULAR NONCOMPACTION. Identifiers: Orphanet 154, MedGen C2677338, MONDO:0012808, OMIM 612158.

gnomAD v4.1: 3 of 1,614,102 alleles (0.00019%); highest among the groups gnomAD compares: Admixed American, 0.0017%; no homozygotes.

Submission:

Labcorp Genetics (formerly Invitae), Labcorp
Classification: Uncertain significance for Primary familial hypertrophic cardiomyopathy; Dilated cardiomyopathy 1AA. Last evaluated: 2024-11-26. Review status: criteria provided, single submitter. Criteria: Invitae Variant Classification Sherloc (09022015). Collection method: clinical testing. Allele origin: germline.
Comment: This sequence change replaces lysine, which is basic and polar, with asparagine, which is neutral and polar, at codon 443 of the ACTN2 protein (p.Lys443Asn). This variant is not present in population databases (gnomAD no frequency). This variant has not been reported in the literature in individuals affected with ACTN2-related conditions. Invitae Evidence Modeling of protein sequence and biophysical properties (such as structural, functional, and spatial information, amino acid conservation, physicochemical variation, residue mobility, and thermodynamic stability) indicates that this missense variant is expected to disrupt ACTN2 protein function with a positive predictive value of 80%. In summary, the available evidence is currently insufficient to determine the role of this variant in disease. Therefore, it has been classified as a Variant of Uncertain Significance.